The following is an entry in ClinVar:

ClinVar aggregate classification (germline): Uncertain significance (1 of 4 stars; one submission).

Conditions:
Nephronophthisis. Also called: Juvenile Nephronophthisis. Identifiers: Orphanet 655, MedGen C0687120, MONDO:0019005, HP:0000090.

Allele frequency attached by ClinVar (database versions not stated): gnomAD exomes below 0.00001.
gnomAD v4.1: 2 of 1,614,182 alleles (0.00012%); highest among the groups gnomAD compares: Non-Finnish European, 0.00017%; no homozygotes.

Submission:

Labcorp Genetics (formerly Invitae), Labcorp
Classification: Uncertain significance for Nephronophthisis. Last evaluated: 2025-05-27. Review status: criteria provided, single submitter. Criteria: Invitae Variant Classification Sherloc (09022015). Collection method: clinical testing. Allele origin: germline.
Comment: This sequence change replaces glutamine, which is neutral and polar, with arginine, which is basic and polar, at codon 90 of the INVS protein (p.Gln90Arg). This variant is not present in population databases (gnomAD no frequency). This variant has not been reported in the literature in individuals affected with INVS-related conditions. ClinVar contains an entry for this variant (Variation ID: 1024543). An algorithm developed to predict the effect of missense changes on protein structure and function (PolyPhen-2) suggests that this variant is likely to be tolerated. In summary, the available evidence is currently insufficient to determine the role of this variant in disease. Therefore, it has been classified as a Variant of Uncertain Significance.

NM_014425.5(INVS):c.269A>G (p.Gln90Arg)

Gene: INVS (inversin; plus strand). Cytogenetic location: 9q31.1.
Variant type: single nucleotide variant.
Coding change: c.269A>G on transcript NM_014425.5 (MANE Select); coding-DNA position 269, A replaced by G.
Protein change: p.Gln90Arg; replaces glutamine 90 with arginine.
Molecular consequence: missense variant. On other transcripts: 5 prime UTR variant (2), non-coding transcript variant (1).
Genome position (GRCh38, 1-based): chr9:100,126,545, A>G. VCF-style: chr9-100126545-A-G. GRCh37 (hg19) VCF-style: chr9-102888827-A-G.
Other names: c.-108A>G (NM_001318381.2); c.-721A>G (NM_001318382.2); short protein forms Q90R.
Identifiers: ClinVar variation 1024543 (VCV001024543.10), dbSNP rs1827890162, ClinGen allele CA374361078.
Genomic context (GRCh38, chr9:100,126,545, plus strand): 5'-CAGGAGCAGATGTGAATAAAACTGACCATAGCCAGAGAACAGCCCTCCATCTTGCAGCCC[A>G]GAAGGTGAGAAGTAAAATTTCCTTGAAGAGTAAATGTTTTGTGTGATGTCTGCTAGTTGA-3'
Protein context (NP_055240.2, residues 80-100): SQRTALHLAA[Gln90Arg]KGNYRFMKLL